The following is an entry in ClinVar:

NM_001366285.2(TBXT):c.1102G>A (p.Val368Met)

Gene: TBXT (T-box transcription factor T; minus strand). Cytogenetic location: 6q27.
Variant type: single nucleotide variant.
Coding change: c.1102G>A on transcript NM_001366285.2 (MANE Select); coding-DNA position 1102, G replaced by A.
Protein change: p.Val368Met; replaces valine 368 with methionine.
Molecular consequence: missense variant.
Genome position (GRCh38, 1-based): chr6:166,158,524, C>T on the plus strand (G>A on the coding strand, the complement: TBXT is on the minus strand). VCF-style: chr6-166158524-C-T. GRCh37 (hg19) VCF-style: chr6-166572012-C-T.
Other names: c.925G>A, p.Val309Met (NM_001270484.2); c.1102G>A, p.Val368Met (NM_001366286.2); c.1099G>A, p.Val367Met (NM_003181.4); short protein forms V367M, V368M, V309M.
Identifiers: ClinVar variation 776183 (VCV000776183.5), dbSNP rs35292451, ClinGen allele CA4092860.

ClinVar aggregate classification (germline): Benign. Review status: criteria provided, multiple submitters, no conflicts (2 of 4 stars). 2 submissions from 2 submitters: Benign (2). Last evaluated 2026-06-22.

Conditions:
TBXT-related disorder. Also called: TBXT-related condition.

Allele frequency attached by ClinVar (database versions not stated): gnomAD exomes 0.00120 and 0.00293; ExAC 0.00386; ESP Exome Variant Server 0.01154; gnomAD 0.01175 and 0.01261; TOPMed 0.01269; 1000 Genomes Project 30x 0.01343; 1000 Genomes Project 0.01378.

Submissions (2):

PreventionGenetics, part of Exact Sciences
Classification: Benign for TBXT-related condition. Last evaluated: 2026-06-22. Review status: criteria provided, single submitter. Criteria: ACMG Guidelines, 2015. Collection method: clinical testing. Allele origin: germline.
Comment: This variant is classified as benign based on ACMG/AMP sequence variant interpretation guidelines (Richards et al. 2015 PMID: 25741868, with internal and published modifications).

Labcorp Genetics (formerly Invitae), Labcorp
Classification: Benign. Last evaluated: 2019-12-31. Review status: criteria provided, single submitter. Criteria: Invitae Variant Classification Sherloc (09022015). Collection method: clinical testing. Allele origin: germline.